The following is an entry in ClinVar:

NM_000369.5(TSHR):c.317T>C (p.Ile106Thr)

Genes: TSHR (thyroid stimulating hormone receptor; plus strand), TSHR-AS1 (TSHR antisense RNA 1; minus strand). Cytogenetic location: 14q31.1.
Variant type: single nucleotide variant.
Coding change: c.317T>C on transcript NM_000369.5 (MANE Select); coding-DNA position 317, T replaced by C.
Protein change: p.Ile106Thr; replaces isoleucine 106 with threonine.
Molecular consequence: missense variant.
Genome position (GRCh38, 1-based): chr14:81,068,328, T>C. VCF-style: chr14-81068328-T-C. GRCh37 (hg19) VCF-style: chr14-81534672-T-C.
Other names: c.317T>C, p.Ile106Thr (NM_001018036.3, NM_001142626.3); short protein forms I106T.
Identifiers: ClinVar variation 4071725 (VCV004071725.1).

ClinVar aggregate classification (germline): Uncertain significance (1 of 4 stars; one submission).

Submission:

GeneDx
Classification: Uncertain significance. Last evaluated: 2025-01-21. Review status: criteria provided, single submitter. Criteria: GeneDx Variant Classification Process June 2021. Collection method: clinical testing. Allele origin: germline. Affected: yes.
Comment: Not observed at significant frequency in large population cohorts (gnomAD); In silico analysis supports that this missense variant has a deleterious effect on protein structure/function; Has not been previously published as pathogenic or benign to our knowledge